The following is an entry in ClinVar:

ClinVar aggregate classification (germline): Uncertain significance. Review status: criteria provided, multiple submitters, no conflicts (2 of 4 stars). 2 submissions from 2 submitters: Uncertain significance (2). Last evaluated 2026-08-10.

Conditions:
Inborn genetic diseases. Identifiers: MedGen C0950123, MeSH D030342.
SETX-related disorder. Also called: SETX-related condition; SETX-related disorders. Identifiers: MedGen CN239403.

Allele frequency attached by ClinVar (database versions not stated): gnomAD exomes below 0.00001.
gnomAD v4.1: 2 of 1,614,218 alleles (0.00012%); highest among the groups gnomAD compares: South Asian, 0.0011%; no homozygotes.

Submissions (2):

PreventionGenetics, part of Exact Sciences
Classification: Uncertain significance for SETX-related condition. Last evaluated: 2026-08-10. Review status: criteria provided, single submitter. Criteria: ACMG Guidelines, 2015. Collection method: clinical testing. Allele origin: germline.
Comment: The SETX c.7981A>G variant is predicted to result in the amino acid substitution p.Lys2661Glu. To our knowledge, this variant has not been reported in the literature or in a large population database (gnomAD), indicating this variant is rare. At this time, the clinical significance of this variant is uncertain due to the absence of conclusive functional and genetic evidence.

Ambry Genetics
Classification: Uncertain significance for Inborn genetic diseases. Last evaluated: 2021-11-11. Review status: criteria provided, single submitter. Criteria: Ambry Variant Classification Scheme 2023. Collection method: clinical testing. Allele origin: germline.
Comment: The p.K2661E variant (also known as c.7981A>G), located in coding exon 24 of the SETX gene, results from an A to G substitution at nucleotide position 7981. The lysine at codon 2661 is replaced by glutamic acid, an amino acid with similar properties. This amino acid position is conserved. In addition, this alteration is predicted to be tolerated by in silico analysis. Since supporting evidence is limited at this time, the clinical significance of this alteration remains unclear.

NM_015046.7(SETX):c.7981A>G (p.Lys2661Glu)

Gene: SETX (senataxin; minus strand). Cytogenetic location: 9q34.13.
Variant type: single nucleotide variant.
Coding change: c.7981A>G on transcript NM_015046.7 (MANE Select); coding-DNA position 7981, A replaced by G.
Protein change: p.Lys2661Glu; replaces lysine 2661 with glutamic acid.
Molecular consequence: missense variant.
Genome position (GRCh38, 1-based): chr9:132,264,292, T>C on the plus strand (A>G on the coding strand, the complement: SETX is on the minus strand). VCF-style: chr9-132264292-T-C. GRCh37 (hg19) VCF-style: chr9-135139679-T-C.
Other names: c.7981A>G, p.Lys2661Glu (NM_001351527.2); c.8068A>G, p.Lys2690Glu (NM_001351528.2); short protein forms K2661E, K2690E.
Identifiers: ClinVar variation 1761467 (VCV001761467.3), dbSNP rs2538818056, ClinGen allele CA375320850.